The following is an entry in ClinVar:

NM_015909.4(NBAS):c.2937+1G>A

Gene: NBAS (NBAS subunit of NRZ tethering complex; minus strand). Cytogenetic location: 2p24.3.
Variant type: single nucleotide variant.
Coding change: c.2937+1G>A on transcript NM_015909.4 (MANE Select); the canonical splice donor site of the intron after coding-DNA position 2937, G replaced by A.
Molecular consequence: splice donor variant.
Genome position (GRCh38, 1-based): chr2:15,415,545, C>T on the plus strand (G>A on the coding strand, the complement: NBAS is on the minus strand). VCF-style: chr2-15415545-C-T. GRCh37 (hg19) VCF-style: chr2-15555669-C-T.
Identifiers: ClinVar variation 2706874 (VCV002706874.3), dbSNP rs2529000672, ClinGen allele CA345885395.

ClinVar aggregate classification (germline): Likely pathogenic (1 of 4 stars; one submission).

Submission:

Labcorp Genetics (formerly Invitae), Labcorp
Classification: Likely pathogenic. Last evaluated: 2024-01-01. Review status: criteria provided, single submitter. Criteria: Invitae Variant Classification Sherloc (09022015). Collection method: clinical testing. Allele origin: germline.
Comment: This sequence change affects a donor splice site in intron 25 of the NBAS gene. It is expected to disrupt RNA splicing. Variants that disrupt the donor or acceptor splice site typically lead to a loss of protein function (PMID: 16199547), and loss-of-function variants in NBAS are known to be pathogenic (PMID: 26073778, 26541327, 27789416, 28031453). This variant is not present in population databases (gnomAD no frequency). This variant has not been reported in the literature in individuals affected with NBAS-related conditions. Algorithms developed to predict the effect of sequence changes on RNA splicing suggest that this variant may disrupt the consensus splice site. In summary, the currently available evidence indicates that the variant is pathogenic, but additional data are needed to prove that conclusively. Therefore, this variant has been classified as Likely Pathogenic.

Literature cited by the submitters: PubMed 16199547; PubMed 26073778; PubMed 26541327; PubMed 27789416; PubMed 28031453.